The following is an entry in ClinVar:

ClinVar aggregate classification (germline): Conflicting classifications of pathogenicity. Review status: criteria provided, conflicting classifications (1 of 4 stars). 2 submissions from 2 submitters: Uncertain significance (1); Likely benign (1). Last evaluated 2025-10-01.

Submissions (2):

CeGaT Center for Human Genetics Tuebingen
Classification: Likely benign. Last evaluated: 2025-10-01. Review status: criteria provided, single submitter. Criteria: CeGaT Center For Human Genetics Tuebingen Variant Classification Criteria Version 2. Collection method: clinical testing. Allele origin: germline. Affected: yes. Observed: 1 variant allele.
Comment: PPP1R3F: BP4, BS2

Ambry Genetics
Classification: Uncertain significance. Last evaluated: 2024-07-15. Review status: criteria provided, single submitter. Criteria: Ambry Variant Classification Scheme 2023. Collection method: clinical testing. Allele origin: germline.

NM_033215.5(PPP1R3F):c.1400G>T (p.Gly467Val)

Gene: PPP1R3F (protein phosphatase 1 regulatory subunit 3F; plus strand). Cytogenetic location: Xp11.23.
Variant type: single nucleotide variant.
Coding change: c.1400G>T on transcript NM_033215.5 (MANE Select); coding-DNA position 1400, G replaced by T.
Protein change: p.Gly467Val; replaces glycine 467 with valine.
Molecular consequence: missense variant.
Genome position (GRCh38, 1-based): chrX:49,286,090, G>T. VCF-style: chrX-49286090-G-T. GRCh37 (hg19) VCF-style: chrX-49142552-G-T.
Other names: c.362G>T, p.Gly121Val (NM_001184745.2); short protein forms G121V, G467V.
Identifiers: ClinVar variation 3424060 (VCV003424060.7).